The following is an entry in ClinVar:

ClinVar aggregate classification (germline): Uncertain significance (1 of 4 stars; one submission).

Conditions:
Hereditary cancer-predisposing syndrome. Also called: Neoplastic Syndromes, Hereditary; Tumor predisposition; Hereditary Cancer Syndrome; Hereditary neoplastic syndrome. Identifiers: Orphanet 140162, MedGen C0027672, MeSH D009386, MONDO:0015356.

Submission:

Ambry Genetics
Classification: Uncertain significance for Hereditary cancer-predisposing syndrome. Last evaluated: 2026-04-29. Review status: criteria provided, single submitter. Criteria: Ambry Variant Classification Scheme 2023. Collection method: clinical testing. Allele origin: germline.
Comment: The c.2814-3C>T intronic variant results from a C to T substitution 3 nucleotides upstream from coding exon 20 in the TSC1 gene. This nucleotide position is well conserved in available vertebrate species. In silico splice site analysis predicts that this alteration may weaken the native splice acceptor site; however, direct evidence is insufficient at this time (Ambry internal data). Based on the available evidence, the clinical significance of this variant remains unclear.

NM_000368.5(TSC1):c.2814-3C>T

Gene: TSC1 (TSC complex subunit 1; minus strand). Cytogenetic location: 9q34.13.
Variant type: single nucleotide variant.
Coding change: c.2814-3C>T on transcript NM_000368.5 (MANE Select); 3 bases into the intron before coding-DNA position 2814, C replaced by T.
Molecular consequence: intron variant.
Genome position (GRCh38, 1-based): chr9:132,897,348, G>A on the plus strand (C>T on the coding strand, the complement: TSC1 is on the minus strand). VCF-style: chr9-132897348-G-A. GRCh37 (hg19) VCF-style: chr9-135772735-G-A.
Other names: c.2451-3C>T (NM_001362177.2, NM_001406614.1, NM_001406616.1 and 4 more transcripts); c.2658-3C>T (NM_001406611.1, NM_001406612.1); c.2661-3C>T (NM_001162427.2, NM_001406610.1); c.1860-3C>T (NM_001406628.1, NM_001406627.1); c.1863-3C>T (NM_001406626.1); c.2796-3C>T (NM_001406604.1, NM_001406603.1); c.2769-3C>T (NM_001406608.1, NM_001406609.1); c.2811-3C>T (NM_001162426.2, NM_001406599.1, NM_001406597.1 and 2 more transcripts); and 8 more.
Identifiers: ClinVar variation 4866031 (VCV004866031.1).
Genomic context (GRCh38, chr9:132,897,348, plus strand): 5'-CACCTGGGTTATCCTTTTCTGAGCCTCATACCTGCTCTCTGCGGCCTGCAGCTGTCCTCT[G>A]AAAGATACAGACCAGCCAGAATATAGGAAGTTCCACTTAATAAAAACACAAAAGCCTTTC-3'